The following is an entry in ClinVar:

NM_173500.4(TTBK2):c.322C>T (p.Gln108Ter)

Gene: TTBK2 (tau tubulin kinase 2; minus strand). Cytogenetic location: 15q15.2.
Variant type: single nucleotide variant.
Coding change: c.322C>T on transcript NM_173500.4 (MANE Select); coding-DNA position 322, C replaced by T.
Protein change: p.Gln108Ter; replaces glutamine 108 with a stop codon.
Molecular consequence: nonsense.
Genome position (GRCh38, 1-based): chr15:42,830,048, G>A on the plus strand (C>T on the coding strand, the complement: TTBK2 is on the minus strand). VCF-style: chr15-42830048-G-A. GRCh37 (hg19) VCF-style: chr15-43122246-G-A.
Other names: c.322C>T (NM_173500.3); short protein forms Q108*.
Identifiers: ClinVar variation 1325245 (VCV001325245.5), dbSNP rs2140986045, ClinGen allele CA392052377.
Genomic context (GRCh38, chr15:42,830,048, plus strand): 5'-ACTCCAAAATCTGTCTACCCAGCCGGAGAGTGGTACTAATGGTGAATGTGCCTCGGGACT[G>A]GCTACGGCGAAGATCTGCCAGATTCCGACCCTATGGAAATCAAATAAACACTTTCAAATA-3'

ClinVar aggregate classification (germline): Conflicting classifications of pathogenicity. Review status: criteria provided, conflicting classifications (1 of 4 stars). 2 submissions from 2 submitters: Likely pathogenic (1); Uncertain significance (1). Last evaluated 2023-07-26.

Conditions:
Spinocerebellar ataxia type 11 (SCA11). Identifiers: Orphanet 98767, MedGen C1858351, MONDO:0011464, OMIM 604432.

Submissions (2):

GeneDx
Classification: Uncertain significance. Last evaluated: 2023-07-26. Review status: criteria provided, single submitter. Criteria: GeneDx Variant Classification Process June 2021. Collection method: clinical testing. Allele origin: germline. Affected: yes.
Comment: Not observed at significant frequency in large population cohorts (gnomAD); Nonsense variant predicted to result in protein truncation or nonsense mediated decay in a gene or region of a gene for which loss of function is not a well-established mechanism of disease; Has not been previously published as pathogenic or benign to our knowledge

Revvity Omics, Revvity
Classification: Likely pathogenic for Spinocerebellar ataxia type 11. Last evaluated: 2021-04-07. Review status: criteria provided, single submitter. Criteria: ACMG Guidelines, 2015. Collection method: clinical testing. Allele origin: germline.